The following is an entry in ClinVar:

NM_002661.5(PLCG2):c.848C>G (p.Pro283Arg)

Gene: PLCG2 (phospholipase C gamma 2; plus strand). Cytogenetic location: 16q23.3.
Variant type: single nucleotide variant.
Coding change: c.848C>G on transcript NM_002661.5 (MANE Select); coding-DNA position 848, C replaced by G.
Protein change: p.Pro283Arg; replaces proline 283 with arginine.
Molecular consequence: missense variant.
Genome position (GRCh38, 1-based): chr16:81,889,254, C>G. VCF-style: chr16-81889254-C-G. GRCh37 (hg19) VCF-style: chr16-81922859-C-G.
Other names: short protein forms P283R.
Identifiers: ClinVar variation 1004113 (VCV001004113.9), dbSNP rs779592401, ClinGen allele CA8193469.
Genomic context (GRCh38, chr16:81,889,254, plus strand): 5'-ACAAAGTCCGTGAGCGGATGACAAAGTTCATTGATGACACCATGCGTGAAACTGCTGAGC[C>G]TTTCTTGTTTGTGGATGAGGTGAGTAGGCTGGGCTTGTTGTCGCTTGGGGGTGACTTTTT-3'
Protein context (NP_002652.2, residues 273-293): IDDTMRETAE[Pro283Arg]FLFVDEFLTY

ClinVar aggregate classification (germline): Uncertain significance (1 of 4 stars; one submission).

Conditions:
Familial cold autoinflammatory syndrome 3 (FCAS3). Also called: FAMILIAL ATYPICAL COLD URTICARIA; ANTIBODY DEFICIENCY AND IMMUNE DYSREGULATION, PLCG2-ASSOCIATED. Identifiers: Orphanet 300359, MedGen C3280914, MONDO:0013766, OMIM 614468.

Allele frequency attached by ClinVar (database versions not stated): gnomAD exomes below 0.00001; ExAC 0.00001.
gnomAD v4.1: 1 of 1,601,044 alleles (0.000062%); highest among the groups gnomAD compares: Non-Finnish European, 0.000085%; no homozygotes.

Submission:

Labcorp Genetics (formerly Invitae), Labcorp
Classification: Uncertain significance for Familial cold autoinflammatory syndrome 3. Last evaluated: 2024-10-26. Review status: criteria provided, single submitter. Criteria: Invitae Variant Classification Sherloc (09022015). Collection method: clinical testing. Allele origin: germline.
Comment: This sequence change replaces proline, which is neutral and non-polar, with arginine, which is basic and polar, at codon 283 of the PLCG2 protein (p.Pro283Arg). This variant is present in population databases (rs779592401, gnomAD 0.0009%). This variant has not been reported in the literature in individuals affected with PLCG2-related conditions. ClinVar contains an entry for this variant (Variation ID: 1004113). An algorithm developed to predict the effect of missense changes on protein structure and function (PolyPhen-2) suggests that this variant is likely to be disruptive. In summary, the available evidence is currently insufficient to determine the role of this variant in disease. Therefore, it has been classified as a Variant of Uncertain Significance.